The following is an entry in ClinVar:

ClinVar aggregate classification (germline): Benign (0 of 4 stars; one submission).

Conditions:
MUC5B-related disorder. Also called: MUC5B-related condition.

gnomAD v4.1: 57,437 of 1,587,792 alleles (3.6%); highest among the groups gnomAD compares: Middle Eastern, 8%; 1,283 homozygotes.

Submission:

PreventionGenetics, part of Exact Sciences
Classification: Benign for MUC5B-related condition. Last evaluated: 2024-08-31. Review status: no assertion criteria provided. Collection method: clinical testing. Allele origin: germline.
Comment: This variant is classified as benign based on ACMG/AMP sequence variant interpretation guidelines (Richards et al. 2015 PMID: 25741868, with internal and published modifications).

NM_002458.3(MUC5B):c.5124A>G (p.Thr1708=)

Gene: MUC5B (mucin 5B, oligomeric mucus/gel-forming; plus strand). Cytogenetic location: 11p15.5.
Variant type: single nucleotide variant.
Coding change: c.5124A>G on transcript NM_002458.3 (MANE Select); coding-DNA position 5124, A replaced by G.
Protein change: p.Thr1708=; no amino-acid change (threonine 1708 retained).
Molecular consequence: synonymous variant.
Genome position (GRCh38, 1-based): chr11:1,242,004, A>G. VCF-style: chr11-1242004-A-G. GRCh37 (hg19) VCF-style: chr11-1263234-A-G.
Identifiers: ClinVar variation 3352999 (VCV003352999.1).